The following is an entry in ClinVar:

ClinVar aggregate classification (germline): Uncertain significance (1 of 4 stars; one submission).

Allele frequency attached by ClinVar (database versions not stated): gnomAD exomes 0.00006 and 0.00018; ExAC 0.00007; gnomAD 0.00015 and 0.00016; TOPMed 0.00016.
gnomAD v4.1: 279 of 1,612,846 alleles (0.017%); highest among the groups gnomAD compares: Non-Finnish European, 0.022%; no homozygotes.

Submission:

Labcorp Genetics (formerly Invitae), Labcorp
Classification: Uncertain significance. Last evaluated: 2023-12-11. Review status: criteria provided, single submitter. Criteria: Invitae Variant Classification Sherloc (09022015). Collection method: clinical testing. Allele origin: germline.
Comment: This sequence change replaces alanine, which is neutral and non-polar, with threonine, which is neutral and polar, at codon 280 of the TONSL protein (p.Ala280Thr). This variant is present in population databases (rs566845306, gnomAD 0.01%). This variant has not been reported in the literature in individuals affected with TONSL-related conditions. ClinVar contains an entry for this variant (Variation ID: 1365217). Advanced modeling of protein sequence and biophysical properties (such as structural, functional, and spatial information, amino acid conservation, physicochemical variation, residue mobility, and thermodynamic stability) performed at Invitae indicates that this missense variant is not expected to disrupt TONSL protein function with a negative predictive value of 80%. In summary, the available evidence is currently insufficient to determine the role of this variant in disease. Therefore, it has been classified as a Variant of Uncertain Significance.

NM_013432.5(TONSL):c.838G>A (p.Ala280Thr)

Gene: TONSL (tonsoku like, DNA repair protein; minus strand). Cytogenetic location: 8q24.3.
Variant type: single nucleotide variant.
Coding change: c.838G>A on transcript NM_013432.5 (MANE Select); coding-DNA position 838, G replaced by A.
Protein change: p.Ala280Thr; replaces alanine 280 with threonine.
Molecular consequence: missense variant.
Genome position (GRCh38, 1-based): chr8:144,442,064, C>T on the plus strand (G>A on the coding strand, the complement: TONSL is on the minus strand). VCF-style: chr8-144442064-C-T. GRCh37 (hg19) VCF-style: chr8-145667447-C-T.
Other names: short protein forms A280T.
Identifiers: ClinVar variation 1365217 (VCV001365217.4), dbSNP rs566845306, ClinGen allele CA4943487.